The following is an entry in ClinVar:

NM_004972.4(JAK2):c.2890A>G (p.Met964Val)

Genes: INSL6 (insulin like 6; minus strand), JAK2 (Janus kinase 2; plus strand). Cytogenetic location: 9p24.1.
Variant type: single nucleotide variant.
Coding change: c.2890A>G on transcript NM_004972.4 (MANE Select); coding-DNA position 2890, A replaced by G.
Protein change: p.Met964Val; replaces methionine 964 with valine.
Molecular consequence: missense variant. On other transcripts: non-coding transcript variant (2).
Genome position (GRCh38, 1-based): chr9:5,090,742, A>G. VCF-style: chr9-5090742-A-G. GRCh37 (hg19) VCF-style: chr9-5090742-A-G.
Other names: c.2890A>G, p.Met964Val (NM_001322194.2, NM_001322195.2, NM_001322196.2); c.1675A>G, p.Met559Val (NM_001322198.2, NM_001322199.2); c.2443A>G, p.Met815Val (NM_001322204.2); short protein forms M559V, M964V, M815V.
Identifiers: ClinVar variation 3654310 (VCV003654310.2).
Genomic context (GRCh38, chr9:5,090,742, plus strand): 5'-CCATTTAAATTGTTTATATTTATAAAACTAGCTGAAAGAAAAATGTTTTATCCATAGGGT[A>G]TGGAGTATCTTGGTACAAAAAGGTATATCCACAGGGATCTGGCAACGAGAAATATATTGG-3'
Protein context (NP_004963.1, residues 954-974): LQYTSQICKG[Met964Val]EYLGTKRYIH

ClinVar aggregate classification (germline): Uncertain significance (1 of 4 stars; one submission).

gnomAD v4.1: 6 of 1,601,124 alleles (0.00037%); highest among the groups gnomAD compares: South Asian, 0.0011%; no homozygotes.

Submission:

Labcorp Genetics (formerly Invitae), Labcorp
Classification: Uncertain significance. Last evaluated: 2024-05-23. Review status: criteria provided, single submitter. Criteria: Invitae Variant Classification Sherloc (09022015). Collection method: clinical testing. Allele origin: germline.
Comment: This sequence change replaces methionine, which is neutral and non-polar, with valine, which is neutral and non-polar, at codon 964 of the JAK2 protein (p.Met964Val). This variant is present in population databases (no rsID available, gnomAD 0.0009%). This variant has not been reported in the literature in individuals affected with JAK2-related conditions. Advanced modeling of protein sequence and biophysical properties (such as structural, functional, and spatial information, amino acid conservation, physicochemical variation, residue mobility, and thermodynamic stability) performed at Invitae indicates that this missense variant is expected to disrupt JAK2 protein function with a positive predictive value of 80%. In summary, the available evidence is currently insufficient to determine the role of this variant in disease. Therefore, it has been classified as a Variant of Uncertain Significance.